The following is an entry in ClinVar:

NM_000256.3(MYBPC3):c.185dup (p.Arg63fs)

Gene: MYBPC3 (myosin binding protein C3; minus strand). Cytogenetic location: 11p11.2.
Variant type: Duplication.
Coding change: c.185dup on transcript NM_000256.3 (MANE Select); coding-DNA position 185, one base duplicated (C; older notation c.185dupC).
Protein change: p.Arg63fs; shifts the reading frame from arginine 63.
Molecular consequence: frameshift variant.
Genome position (GRCh38, 1-based): chr11:47,351,346, G duplicated on the plus strand (C on the coding strand, the reverse complement: MYBPC3 is on the minus strand). VCF-style (leftmost placement, unchanged base first): chr11-47351345-T-TG. GRCh37 (hg19) VCF-style: chr11-47372896-T-TG.
Other names: short protein forms R63fs.
Identifiers: ClinVar variation 4856629 (VCV004856629.1).
Genomic context (GRCh38, chr11:47,351,345, plus strand): 5'-AATGACTGCGTAAGATCCCTGGTCGGCAGGGCCCACTTCCCGCACTGTCAGCGTATGCCG[T>TG]GTGCCCTCTGTGGCCAGGCCGTACTTGTTGCTGGCGCTGATGTCACTGCCTCCGCGCTGC-3'

ClinVar aggregate classification (germline): Pathogenic (1 of 4 stars; one submission).

Conditions:
Hypertrophic cardiomyopathy 4. Also called: Familial hypertrophic cardiomyopathy 4. Identifiers: MedGen C1861862, MONDO:0007268, OMIM 115197.

Submission:

Molecular Genetics Laboratory, Motol Hospital
Classification: Pathogenic for Hypertrophic cardiomyopathy 4. Last evaluated: 2026-06-04. Review status: criteria provided, single submitter. Criteria: ACMG Guidelines, 2015. Collection method: clinical testing. Allele origin: germline. Affected: yes. Observed: 3 variant alleles.
Comment: Detected in three related individuals with hypertrophic cardiomyopathy (PP1). A rare variant not present in non-Finnish European population (PM2). Rare truncating variants in the MYBPC3 gene are associated with autosomal dominant familial hypertrophic cardiomyopathy (PVS1). The variant is classified as pathogenic.

Literature cited by the submitters: PubMed 31877118; PubMed 37445689; PubMed 11499719.